The following is an entry in ClinVar:

ClinVar aggregate classification (germline): Uncertain significance (1 of 4 stars; one submission).

Submission:

Labcorp Genetics (formerly Invitae), Labcorp
Classification: Uncertain significance. Last evaluated: 2024-06-22. Review status: criteria provided, single submitter. Criteria: Invitae Variant Classification Sherloc (09022015). Collection method: clinical testing. Allele origin: germline.
Comment: This sequence change replaces alanine, which is neutral and non-polar, with valine, which is neutral and non-polar, at codon 934 of the CACNA1G protein (p.Ala934Val). This variant is not present in population databases (gnomAD no frequency). This variant has not been reported in the literature in individuals affected with CACNA1G-related conditions. Advanced modeling of protein sequence and biophysical properties (such as structural, functional, and spatial information, amino acid conservation, physicochemical variation, residue mobility, and thermodynamic stability) has been performed at Invitae for this missense variant, however the output from this modeling did not meet the statistical confidence thresholds required to predict the impact of this variant on CACNA1G protein function. In summary, the available evidence is currently insufficient to determine the role of this variant in disease. Therefore, it has been classified as a Variant of Uncertain Significance.

NM_018896.5(CACNA1G):c.2801C>T (p.Ala934Val)

Gene: CACNA1G (calcium voltage-gated channel subunit alpha1 G; plus strand). Cytogenetic location: 17q21.33.
Variant type: single nucleotide variant.
Coding change: c.2801C>T on transcript NM_018896.5 (MANE Select); coding-DNA position 2801, C replaced by T.
Protein change: p.Ala934Val; replaces alanine 934 with valine.
Molecular consequence: missense variant. On other transcripts: non-coding transcript variant (5).
Genome position (GRCh38, 1-based): chr17:50,591,983, C>T. VCF-style: chr17-50591983-C-T. GRCh37 (hg19) VCF-style: chr17-48669344-C-T.
Other names: c.2801C>T, p.Ala934Val (NM_001256324.2, NM_001256325.2, NM_001256326.2 and 24 more transcripts); short protein forms A934V.
Identifiers: ClinVar variation 3634742 (VCV003634742.2).
Genomic context (GRCh38, chr17:50,591,983, plus strand): 5'-TCTTCTGCCCGCAGATCCTGACCCAGGAGGACTGGAACAAAGTCCTCTACAATGGTATGG[C>T]CTCCACGTCGTCCTGGGCGGCCCTTTATTTCATTGCCCTCATGACCTTCGGCAACTACGT-3'
Protein context (NP_061496.2, residues 924-944): DWNKVLYNGM[Ala934Val]STSSWAALYF